The following is an entry in ClinVar:

NM_006031.6(PCNT):c.428_466del (p.Arg143_Gln155del)

Gene: PCNT (pericentrin; plus strand). Cytogenetic location: 21q22.3.
Variant type: Deletion.
Coding change: c.428_466del on transcript NM_006031.6 (MANE Select); coding-DNA positions 428 to 466, 39 bases deleted.
Protein change: p.Arg143_Gln155del.
Molecular consequence: inframe deletion.
Genome position (GRCh38, 1-based): chr21:46,334,557-46,334,595, 39 bases deleted; deleting any 39 consecutive bases within chr21:46,334,536-46,334,595 gives the same sequence; the c. name uses the placement nearest the transcript's 3' end. GRCh37 (hg19): chr21:47,754,471-47,754,509.
Other names: c.74_112del, p.Arg25_Gln37del (NM_001315529.2); c.428_466del39 (NM_006031.5).
Identifiers: ClinVar variation 2080487 (VCV002080487.3), dbSNP rs759009997, ClinGen allele CA10078247.

ClinVar aggregate classification (germline): Uncertain significance. Review status: criteria provided, multiple submitters, no conflicts (2 of 4 stars). 2 submissions from 2 submitters: Uncertain significance (2). Last evaluated 2025-11-21.

Conditions:
PCNT-related disorder. Also called: PCNT-related condition.

Submissions (2):

PreventionGenetics, part of Exact Sciences
Classification: Uncertain significance for PCNT-related condition. Last evaluated: 2025-11-21. Review status: criteria provided, single submitter. Criteria: ACMG Guidelines, 2015. Collection method: clinical testing. Allele origin: germline.
Comment: The PCNT c.428_466del39 variant is predicted to result in an in-frame deletion (p.Arg143_Gln155del). To our knowledge, this variant has not been reported in the literature. This variant is reported in 0.0067% of alleles in individuals of African descent in gnomAD; however, the quality of this data is questionable and should be treated with caution. At this time, the clinical significance of this variant is uncertain due to the absence of conclusive functional and genetic evidence.

Labcorp Genetics (formerly Invitae), Labcorp
Classification: Uncertain significance. Last evaluated: 2021-12-25. Review status: criteria provided, single submitter. Criteria: Invitae Variant Classification Sherloc (09022015). Collection method: clinical testing. Allele origin: germline.
Comment: This variant, c.428_466del, results in the deletion of 13 amino acid(s) of the PCNT protein (p.Arg143_Gln155del), but otherwise preserves the integrity of the reading frame. This variant is present in population databases (rs759009997, gnomAD 0.007%). This variant has not been reported in the literature in individuals affected with PCNT-related conditions. Experimental studies and prediction algorithms are not available or were not evaluated, and the functional significance of this variant is currently unknown. In summary, the available evidence is currently insufficient to determine the role of this variant in disease. Therefore, it has been classified as a Variant of Uncertain Significance.